The following is an entry in ClinVar:

NM_213655.5(WNK1):c.3373C>T (p.Gln1125Ter)

Gene: WNK1 (WNK lysine deficient protein kinase 1; plus strand). Cytogenetic location: 12p13.33.
Variant type: single nucleotide variant.
Coding change: c.3373C>T on transcript NM_213655.5 (MANE Plus Clinical); coding-DNA position 3373, C replaced by T.
Protein change: p.Gln1125Ter; replaces glutamine 1125 with a stop codon.
Molecular consequence: nonsense. On other transcripts: intron variant (2).
Genome position (GRCh38, 1-based): chr12:868,844, C>T. VCF-style: chr12-868844-C-T. GRCh37 (hg19) VCF-style: chr12-978010-C-T.
Other names: c.3118C>T, p.Gln1040Ter (NM_001184985.2); c.2140-2421C>T (NM_018979.4, NM_014823.3); short protein forms Q1040*, Q1125*.
Identifiers: ClinVar variation 1393975 (VCV001393975.6), dbSNP rs2154072180, ClinGen allele CA383341960.

ClinVar aggregate classification (germline): Pathogenic (1 of 4 stars; one submission).

Conditions:
Neuropathy, hereditary sensory and autonomic, type 2A (HSAN2A). Also called: ACROOSTEOLYSIS, GIACCAI TYPE; ACROOSTEOLYSIS, NEUROGENIC; MORVAN DISEASE; NEUROPATHY, CONGENITAL SENSORY; NEUROPATHY, HEREDITARY SENSORY RADICULAR, AUTOSOMAL RECESSIVE; NEUROPATHY, HEREDITARY SENSORY, TYPE IIA. Identifiers: Orphanet 970, MedGen C2752089, MONDO:0024309, OMIM 201300.
Pseudohypoaldosteronism type 2C (PHA2C). Also called: Pseudohypoaldosteronism Type IIC. Identifiers: Orphanet 757, Orphanet 88940, MedGen C1840391, MONDO:0013778, OMIM 614492.

Submission:

Labcorp Genetics (formerly Invitae), Labcorp
Classification: Pathogenic for Neuropathy, hereditary sensory and autonomic, type 2A; Pseudohypoaldosteronism type 2C. Last evaluated: 2021-11-27. Review status: criteria provided, single submitter. Criteria: Invitae Variant Classification Sherloc (09022015). Collection method: clinical testing. Allele origin: germline.
Comment: This sequence change creates a premature translational stop signal (p.Gln1125*) in the WNK1 gene. It is expected to result in an absent or disrupted protein product. Loss-of-function variants in WNK1 are known to be pathogenic (PMID: 22910560). This variant is not present in population databases (gnomAD no frequency). This variant has not been reported in the literature in individuals affected with WNK1-related conditions. For these reasons, this variant has been classified as Pathogenic.

Literature cited by the submitters: PubMed 22910560.